The following is an entry in ClinVar:

NM_000152.5(GAA):c.1940G>T (p.Cys647Phe)

Gene: GAA (alpha glucosidase; plus strand). Cytogenetic location: 17q25.3.
Variant type: single nucleotide variant.
Coding change: c.1940G>T on transcript NM_000152.5 (MANE Select); coding-DNA position 1940, G replaced by T.
Protein change: p.Cys647Phe; replaces cysteine 647 with phenylalanine.
Molecular consequence: missense variant.
Genome position (GRCh38, 1-based): chr17:80,112,927, G>T. VCF-style: chr17-80112927-G-T. GRCh37 (hg19) VCF-style: chr17-78086726-G-T.
Other names: NM_000152.5(GAA):c.1940G>T; p.Cys647Phe; c.1940G>T, p.Cys647Phe (NM_001079803.3, NM_001079804.3); c.1940G>T (NM_000152.4); short protein forms C647F.
Identifiers: ClinVar variation 1219617 (VCV001219617.17), dbSNP rs1265892085, ClinGen allele CA401369920.

ClinVar aggregate classification (germline): Uncertain significance. Review status: reviewed by expert panel (3 of 4 stars). 7 submissions from 7 submitters: Uncertain significance (1). 6 of the submissions do not count toward it. Last evaluated 2024-02-06.

Conditions:
Glycogen storage disease, type II (IOPD). Also called: Pompe Disease; Glycogen storage disease type 2; Acid maltase deficiency disease; Aglucosidase alfa; Deficiency of alpha-glucosidase; Deficiency of lysosomal alpha-glucosidase. Identifiers: Orphanet 365, MedGen C0017921, MONDO:0009290, OMIM 232300.

Allele frequency attached by ClinVar (database versions not stated): TOPMed below 0.00001; gnomAD exomes below 0.00001.

Submissions (7):

ClinGen Lysosomal Storage Disorder Variant Curation Expert Panel
Classification: Uncertain significance for Glycogen storage disease, type II. Last evaluated: 2024-02-06. Review status: reviewed by expert panel. Criteria: clingen_lsd_acmg_specifications_v2-1. Collection method: curation. Allele origin: germline. Inheritance: Autosomal recessive inheritance.
Comment: The NM_000152.5:c.1940G>T variant in GAA is a missense variant predicted to cause substitution of cysteine by phenylalanine at amino acid 647 (p.Cys647Phe). One case identified by newborn screening with documented deficiency of GAA activity has been reported with this variant, but the symptoms are not highly specific for Pompe disease (PMID: 37087815, clinical laboratory data) (PP4 not met). This patient is compound heterozygous for the variant and a pathogenic variant in GAA, c.-32-13T>G (ClinVar Variation ID: 4027), with unknown phase (PM3_supporting). The variant is absent in gnomAD v2.1.1. (PM2_Supporting). The computational predictor REVEL gives a score of 0.908 which is above the thresholds predicting a damaging (>0.7) evidence that correlates with impact to GAA function (PP3). Another missense variant c.1941C>G (p.Cys647Trp) (ClinVar Variation ID: 550327) in the same codon has been classified as pathogenic for Pompe disease by the ClinGen Lysosomal Diseases VCEP (PM5). There is a ClinVar entry for this variant (Variation ID: 1219617). In summary, this variant meets the criteria to be classified as a variant of uncertain significance for Pompe disease, based on the specifications of the ClinGen Lysosomal Disease VCEP. GAA-specific ACMG/AMP specifications met, (Specifications Version 2.0): PM5, PM3_supporting, PM2_supporting. (Classification approved by the ClinGen Lysosomal Diseases Variant Curation Expert Panel on Feb 6, 2024).

Genomenon, Inc
Classification: Uncertain significance for Glycogen storage disease, type II. Last evaluated: 2026-07-01. Review status: criteria provided, single submitter. Criteria: Genomenon Sequence Variant Interpretation Standards - Updated. Collection method: curation. Allele origin: germline. Not counted in ClinVar's aggregate classification.
Comment: GAA p.Cys647Phe (c.1940G>T) is a missense variant that changes the amino acid at codon 647 from Cysteine to Phenylalanine. This variant has been reported in the compound heterozygous and/or homozygous state in at least one individual without a confirmed diagnosis of Pompe disease (PMID:37087815). It is absent or not present at a significant frequency in gnomAD. In silico models predict that this variant is possibly or probably damaging. In conclusion, we classify GAA p.Cys647Phe (c.1940G>T) as a variant of uncertain significance.

Women's Health and Genetics/Laboratory Corporation of America, LabCorp
Classification: Uncertain significance. Last evaluated: 2025-07-25. Review status: criteria provided, single submitter. Criteria: LabCorp Variant Classification Summary - May 2015. Collection method: clinical testing. Allele origin: germline. Not counted in ClinVar's aggregate classification.
Comment: Variant summary: GAA c.1940G>T (p.Cys647Phe) results in a non-conservative amino acid change located in the glycoside hydrolase family 31, TIM barrel domain of the encoded protein sequence. Algorithms developed to predict the effect of missense changes on protein structure and function all suggest that this variant is likely to be disruptive. The frequency data for this variant in gnomAD is considered unreliable, as metrics indicate poor data quality at this position. c.1940G>T has been observed in individual(s) affected with Glycogen Storage Disease, Type 2 (Pompe Disease) (Sniderman_2023). These data do not allow any conclusion about variant significance. A different variant affecting the same codon has been classified as likely pathogenic/pathogenic by our lab (c.1941C>G, p.Cys647Trp), supporting the critical relevance of codon 647 to GAA protein function. To our knowledge, no experimental evidence demonstrating an impact on protein function has been reported. The following publication have been ascertained in the context of this evaluation (PMID: 37087815). ClinVar contains an entry for this variant (Variation ID: 1219617). Based on the evidence outlined above, the variant was classified as VUS-possibly pathogenic.

Natera, Inc.
Classification: Likely pathogenic for Glycogen storage disease type II. Last evaluated: 2025-01-02. Review status: criteria provided, single submitter. Criteria: Natera Variant Classification Schema (03/2026). Collection method: clinical testing. Allele origin: germline. Not counted in ClinVar's aggregate classification.
Comment: The c.1940G>T variant in GAA is a missense variant predicted to cause substitution of cysteine to phenylalanine at amino acid 647. This variant is rare in the general population with a frequency below the threshold expected for the associated phenotype(s). This variant has been observed in one or more individuals affected with the associated recessive disease, as either homozygous or compound heterozygous with a second variant (PMID: 37087815). This variant has been identified in one or more affected individual with a phenotype highly consistent with the associated gene (PMID: 37087815). A different variant at the same position has been determined to be Pathogenic or Likely Pathogenic. Computational prediction algorithms indicate this variant is likely to affect gene or protein function. Given the available evidence, this variant is classified as Likely Pathogenic.

Labcorp Genetics (formerly Invitae), Labcorp
Classification: Likely pathogenic for Glycogen storage disease, type II. Last evaluated: 2024-07-06. Review status: criteria provided, single submitter. Criteria: Invitae Variant Classification Sherloc (09022015). Collection method: clinical testing. Allele origin: germline. Not counted in ClinVar's aggregate classification.
Comment: This sequence change replaces cysteine, which is neutral and slightly polar, with phenylalanine, which is neutral and non-polar, at codon 647 of the GAA protein (p.Cys647Phe). This variant is not present in population databases (gnomAD no frequency). This variant has not been reported in the literature in individuals affected with GAA-related conditions. ClinVar contains an entry for this variant (Variation ID: 1219617). Advanced modeling of protein sequence and biophysical properties (such as structural, functional, and spatial information, amino acid conservation, physicochemical variation, residue mobility, and thermodynamic stability) performed at Invitae indicates that this missense variant is expected to disrupt GAA protein function with a positive predictive value of 95%. This variant disrupts the p.Cys647 amino acid residue in GAA. Other variant(s) that disrupt this residue have been determined to be pathogenic (PMID: 7981676, 9535769, 17723315, 19588081, 22658377, 25681614). This suggests that this residue is clinically significant, and that variants that disrupt this residue are likely to be disease-causing. In summary, the currently available evidence indicates that the variant is pathogenic, but additional data are needed to prove that conclusively. Therefore, this variant has been classified as Likely Pathogenic.

GeneDx
Classification: Likely pathogenic. Last evaluated: 2019-12-05. Review status: criteria provided, single submitter. Criteria: GeneDx Variant Classification Process June 2021. Collection method: clinical testing. Allele origin: germline. Affected: yes. Not counted in ClinVar's aggregate classification.
Comment: Has not been previously published as pathogenic or benign to our knowledge; Not observed in large population cohorts (Lek et al., 2016); In silico analysis, which includes protein predictors and evolutionary conservation, supports a deleterious effect

Revvity Omics, Revvity
Classification: Uncertain significance. Last evaluated: 2019-11-14. Review status: criteria provided, single submitter. Criteria: ACMG Guidelines, 2015. Collection method: clinical testing. Allele origin: germline. Not counted in ClinVar's aggregate classification.

Literature cited by the submitters: PubMed 37087815 (cited by 3 submitters); PubMed 7981676 (cited by Labcorp Genetics (formerly Invitae), Labcorp); PubMed 9535769 (cited by Labcorp Genetics (formerly Invitae), Labcorp); PubMed 17723315 (cited by Labcorp Genetics (formerly Invitae), Labcorp); PubMed 19588081 (cited by Labcorp Genetics (formerly Invitae), Labcorp); PubMed 22658377 (cited by Labcorp Genetics (formerly Invitae), Labcorp); PubMed 25681614 (cited by Labcorp Genetics (formerly Invitae), Labcorp).